The following is an entry in ClinVar:

ClinVar aggregate classification (germline): Uncertain significance. Review status: criteria provided, single submitter (1 of 4 stars). 2 submissions from 2 submitters: Uncertain significance (1). 1 of the submissions does not count toward it. Last evaluated 2025-03-06.

Conditions:
Alstrom syndrome (ALMS). Identifiers: Orphanet 64, MedGen C0268425, MONDO:0008763, OMIM 203800.

Allele frequency attached by ClinVar (database versions not stated): ExAC 0.00001; gnomAD exomes 0.00001; TOPMed 0.00002.

Submissions (2):

Labcorp Genetics (formerly Invitae), Labcorp
Classification: Uncertain significance for Alstrom syndrome. Last evaluated: 2025-03-06. Review status: criteria provided, single submitter. Criteria: Invitae Variant Classification Sherloc (09022015). Collection method: clinical testing. Allele origin: germline.
Comment: This sequence change replaces histidine, which is basic and polar, with arginine, which is basic and polar, at codon 2524 of the ALMS1 protein (p.His2524Arg). This variant is present in population databases (rs763422515, gnomAD 0.006%). This variant has not been reported in the literature in individuals affected with ALMS1-related conditions. ClinVar contains an entry for this variant (Variation ID: 1059102). Experimental studies and prediction algorithms are not available or were not evaluated, and the functional significance of this variant is currently unknown. In summary, the available evidence is currently insufficient to determine the role of this variant in disease. Therefore, it has been classified as a Variant of Uncertain Significance.

Natera, Inc.
Classification: Uncertain significance for Alstrom syndrome. Last evaluated: 2021-06-28. Review status: no assertion criteria provided. Collection method: clinical testing. Allele origin: germline. Not counted in ClinVar's aggregate classification.

NM_001378454.1(ALMS1):c.7568A>G (p.His2523Arg)

Gene: ALMS1 (ALMS1 centrosome and basal body associated protein; plus strand). Cytogenetic location: 2p13.1.
Variant type: single nucleotide variant.
Coding change: c.7568A>G on transcript NM_001378454.1 (MANE Select); coding-DNA position 7568, A replaced by G.
Protein change: p.His2523Arg; replaces histidine 2523 with arginine.
Molecular consequence: missense variant.
Genome position (GRCh38, 1-based): chr2:73,455,189, A>G. VCF-style: chr2-73455189-A-G. GRCh37 (hg19) VCF-style: chr2-73682316-A-G.
Other names: c.7571A>G, p.His2524Arg (NM_015120.4); short protein forms H2523R, H2524R.
Identifiers: ClinVar variation 1059102 (VCV001059102.7), dbSNP rs763422515, ClinGen allele CA1714276.
Genomic context (GRCh38, chr2:73,455,189, plus strand): 5'-TTGTATTATCTCAAGTGTATGCTTTCTCTCCAGCCTGGAATATGAAGTTCAATTTAGCAC[A>G]TGATTGTGGATACTCCATTTCAGAATTAAATGAAGATGACAGGAGGAAAGTAGAAGAGAT-3'
Protein context (NP_001365383.1, residues 2513-2533): HAWNMKFNLA[His2523Arg]DCGYSISELN